The following is an entry in ClinVar:

ClinVar aggregate classification (germline): Uncertain significance (1 of 4 stars; one submission).

Submission:

Ambry Genetics
Classification: Uncertain significance. Last evaluated: 2024-12-03. Review status: criteria provided, single submitter. Criteria: Ambry Variant Classification Scheme 2023. Collection method: clinical testing. Allele origin: germline.
Comment: The p.E442G variant (also known as c.1325A>G), located in coding exon 9 of the RINT1 gene, results from an A to G substitution at nucleotide position 1325. The glutamic acid at codon 442 is replaced by glycine, an amino acid with similar properties. This amino acid position is conserved. In addition, this alteration is predicted to be deleterious by in silico analysis. Based on the available evidence, the clinical significance of this variant remains unclear.

NM_021930.6(RINT1):c.1325A>G (p.Glu442Gly)

Gene: RINT1 (RAD50 interactor 1; plus strand). Cytogenetic location: 7q22.3.
Variant type: single nucleotide variant.
Coding change: c.1325A>G on transcript NM_021930.6 (MANE Select); coding-DNA position 1325, A replaced by G.
Protein change: p.Glu442Gly; replaces glutamic acid 442 with glycine.
Molecular consequence: missense variant. On other transcripts: non-coding transcript variant (1).
Genome position (GRCh38, 1-based): chr7:105,550,478, A>G. VCF-style: chr7-105550478-A-G. GRCh37 (hg19) VCF-style: chr7-105190925-A-G.
Other names: c.1091A>G, p.Glu364Gly (NM_001346599.2); c.302A>G, p.Glu101Gly (NM_001346600.2, NM_001346603.2); c.401A>G, p.Glu134Gly (NM_001346601.2); short protein forms E134G, E364G, E442G, E101G.
Identifiers: ClinVar variation 3433666 (VCV003433666.1).